The following is an entry in ClinVar:

ClinVar aggregate classification (germline): Uncertain significance. Review status: criteria provided, multiple submitters, no conflicts (2 of 4 stars). 3 submissions from 3 submitters: Uncertain significance (3). Last evaluated 2025-11-04.

Conditions:
Hereditary cancer-predisposing syndrome. Also called: Hereditary Cancer Syndrome; Neoplastic Syndromes, Hereditary; Tumor predisposition; Hereditary neoplastic syndrome. Identifiers: Orphanet 140162, MedGen C0027672, MeSH D009386, MONDO:0015356.
Familial meningioma. Also called: Meningioma, familial, susceptibility to. Identifiers: Orphanet 263662, MedGen C3551915, MONDO:0011789, OMIM 607174.

Allele frequency attached by ClinVar (database versions not stated): gnomAD exomes below 0.00001.

Submissions (3):

Ambry Genetics
Classification: Uncertain significance for Hereditary cancer-predisposing syndrome. Last evaluated: 2025-11-04. Review status: criteria provided, single submitter. Criteria: Ambry Variant Classification Scheme 2023. Collection method: clinical testing. Allele origin: germline.
Comment: The p.M171T variant (also known as c.512T>C), located in coding exon 6 of the SMARCE1 gene, results from a T to C substitution at nucleotide position 512. The methionine at codon 171 is replaced by threonine, an amino acid with similar properties. This amino acid position is well conserved in available vertebrate species. In addition, the in silico prediction for this alteration is inconclusive. Since supporting evidence is limited at this time, the clinical significance of this alteration remains unclear.

Labcorp Genetics (formerly Invitae), Labcorp
Classification: Uncertain significance for Familial meningioma. Last evaluated: 2025-03-17. Review status: criteria provided, single submitter. Criteria: Invitae Variant Classification Sherloc (09022015). Collection method: clinical testing. Allele origin: germline.
Comment: This sequence change replaces methionine, which is neutral and non-polar, with threonine, which is neutral and polar, at codon 171 of the SMARCE1 protein (p.Met171Thr). This variant is not present in population databases (gnomAD no frequency). This variant has not been reported in the literature in individuals affected with SMARCE1-related conditions. ClinVar contains an entry for this variant (Variation ID: 1745542). Invitae Evidence Modeling of protein sequence and biophysical properties (such as structural, functional, and spatial information, amino acid conservation, physicochemical variation, residue mobility, and thermodynamic stability) has been performed for this missense variant. However, the output from this modeling did not meet the statistical confidence thresholds required to predict the impact of this variant on SMARCE1 protein function. In summary, the available evidence is currently insufficient to determine the role of this variant in disease. Therefore, it has been classified as a Variant of Uncertain Significance.

GeneDx
Classification: Uncertain significance. Last evaluated: 2022-06-27. Review status: criteria provided, single submitter. Criteria: GeneDx Variant Classification Process June 2021. Collection method: clinical testing. Allele origin: germline. Affected: yes.
Comment: Not observed at significant frequency in large population cohorts (gnomAD); In silico analysis supports that this missense variant has a deleterious effect on protein structure/function; Has not been previously published as pathogenic or benign to our knowledge

NM_003079.5(SMARCE1):c.512T>C (p.Met171Thr)

Gene: SMARCE1 (SWI/SNF related BAF chromatin remodeling complex subunit E1; minus strand). Cytogenetic location: 17q21.2.
Variant type: single nucleotide variant.
Coding change: c.512T>C on transcript NM_003079.5 (MANE Select); coding-DNA position 512, T replaced by C.
Protein change: p.Met171Thr; replaces methionine 171 with threonine.
Molecular consequence: missense variant.
Genome position (GRCh38, 1-based): chr17:40,635,960, A>G on the plus strand (T>C on the coding strand, the complement: SMARCE1 is on the minus strand). VCF-style: chr17-40635960-A-G. GRCh37 (hg19) VCF-style: chr17-38792212-A-G.
Other names: short protein forms M171T.
Identifiers: ClinVar variation 1745542 (VCV001745542.6), dbSNP rs2508603533, ClinGen allele CA399366277.